The following is an entry in ClinVar:

ClinVar aggregate classification (germline): Uncertain significance (1 of 4 stars; one submission).

Conditions:
Dyskeratosis congenita. Identifiers: Orphanet 1775, MedGen C0265965, MONDO:0015780.

Submission:

Ambry Genetics
Classification: Uncertain significance for Dyskeratosis congenita. Last evaluated: 2023-07-13. Review status: criteria provided, single submitter. Criteria: Ambry Variant Classification Scheme 2023. Collection method: clinical testing. Allele origin: germline.
Comment: The p.L448P variant (also known as c.1343T>C), located in coding exon 2 of the TERT gene, results from a T to C substitution at nucleotide position 1343. The leucine at codon 448 is replaced by proline, an amino acid with similar properties. This amino acid position is conserved. In addition, this alteration is predicted to be deleterious by in silico analysis. Since supporting evidence is limited at this time, the clinical significance of this alteration remains unclear.

NM_198253.3(TERT):c.1343T>C (p.Leu448Pro)

Gene: TERT (telomerase reverse transcriptase; minus strand). Cytogenetic location: 5p15.33.
Variant type: single nucleotide variant.
Coding change: c.1343T>C on transcript NM_198253.3 (MANE Select); coding-DNA position 1343, T replaced by C.
Protein change: p.Leu448Pro; replaces leucine 448 with proline.
Molecular consequence: missense variant. On other transcripts: non-coding transcript variant (2).
Genome position (GRCh38, 1-based): chr5:1,293,543, A>G on the plus strand (T>C on the coding strand, the complement: TERT is on the minus strand). VCF-style: chr5-1293543-A-G. GRCh37 (hg19) VCF-style: chr5-1293658-A-G.
Other names: c.1343T>C, p.Leu448Pro (NM_001193376.3, NM_003219.1); short protein forms L448P.
Identifiers: ClinVar variation 3238503 (VCV003238503.1), dbSNP rs2478411109.